The following is an entry in ClinVar:

NM_004304.5(ALK):c.4141del (p.Glu1381fs)

Gene: ALK (ALK receptor tyrosine kinase; minus strand). Cytogenetic location: 2p23.2.
Variant type: Deletion.
Coding change: c.4141del on transcript NM_004304.5 (MANE Select); coding-DNA position 4141, one base deleted (G; older notation c.4141delG).
Protein change: p.Glu1381fs; shifts the reading frame from glutamic acid 1381.
Molecular consequence: frameshift variant.
Genome position (GRCh38, 1-based): chr2:29,196,793, C deleted on the plus strand (G on the coding strand, the reverse complement: ALK is on the minus strand); the first of 2 consecutive C bases (chr2:29,196,793-29,196,794); deleting either gives the same sequence. VCF-style (leftmost placement, unchanged base first): chr2-29196792-TC-T. GRCh37 (hg19) VCF-style: chr2-29419658-TC-T.
Other names: c.937del, p.Glu313fs (NM_001353765.2); short protein forms E313fs, E1381fs.
Identifiers: ClinVar variation 3285759 (VCV003285759.2).

ClinVar aggregate classification (germline): Uncertain significance (1 of 4 stars; one submission).

Conditions:
Hereditary cancer-predisposing syndrome. Also called: Neoplastic Syndromes, Hereditary; Tumor predisposition; Hereditary Cancer Syndrome; Hereditary neoplastic syndrome. Identifiers: Orphanet 140162, MedGen C0027672, MeSH D009386, MONDO:0015356.

Submission:

Ambry Genetics
Classification: Uncertain significance for Hereditary cancer-predisposing syndrome. Last evaluated: 2026-07-30. Review status: criteria provided, single submitter. Criteria: Ambry Variant Classification Scheme 2023. Collection method: clinical testing. Allele origin: germline.
Comment: The c.4141delG variant, located in coding exon 28 of the ALK gene, results from a deletion of one nucleotide at nucleotide position 4141, causing a translational frameshift with a predicted alternate stop codon (p.E1381Rfs*12). This variant occurs at the 3' terminus of the gene and is not expected to trigger nonsense-mediated mRNA decay. Based on the available evidence, the clinical significance of this variant remains unclear.